The following is an entry in ClinVar:

NM_001008537.3(NEXMIF):c.3280A>T (p.Thr1094Ser)

Gene: NEXMIF (neurite extension and migration factor; minus strand). Cytogenetic location: Xq13.3.
Variant type: single nucleotide variant.
Coding change: c.3280A>T on transcript NM_001008537.3 (MANE Select); coding-DNA position 3280, A replaced by T.
Protein change: p.Thr1094Ser; replaces threonine 1094 with serine.
Molecular consequence: missense variant.
Genome position (GRCh38, 1-based): chrX:74,741,277, T>A on the plus strand (A>T on the coding strand, the complement: NEXMIF is on the minus strand). VCF-style: chrX-74741277-T-A. GRCh37 (hg19) VCF-style: chrX-73961112-T-A.
Other names: short protein forms T1094S.
Identifiers: ClinVar variation 4999048 (VCV004999048.1).

ClinVar aggregate classification (germline): Uncertain significance (1 of 4 stars; one submission).

Conditions:
NEXMIF-related disorder. Also called: NEXMIF-related condition.

Submission:

PreventionGenetics, part of Exact Sciences
Classification: Uncertain significance for NEXMIF-related condition. Last evaluated: 2025-03-10. Review status: criteria provided, single submitter. Criteria: ACMG Guidelines, 2015. Collection method: clinical testing. Allele origin: germline.
Comment: The NEXMIF c.3280A>T variant is predicted to result in the amino acid substitution p.Thr1094Ser. To our knowledge, this variant has not been reported in the literature or in a large population database (gnomAD), indicating this variant is rare. At this time, the clinical significance of this variant is uncertain due to the absence of conclusive functional and genetic evidence.